The following is an entry in ClinVar:

ClinVar aggregate classification (germline): Uncertain significance. Review status: criteria provided, multiple submitters, no conflicts (2 of 4 stars). 3 submissions from 3 submitters: Uncertain significance (3). Last evaluated 2025-01-23.

gnomAD v4.1: 24 of 1,603,690 alleles (0.0015%); highest among the groups gnomAD compares: East Asian, 0.0045%; no homozygotes.

Submissions (3):

Labcorp Genetics (formerly Invitae), Labcorp
Classification: Uncertain significance. Last evaluated: 2025-01-23. Review status: criteria provided, single submitter. Criteria: Invitae Variant Classification Sherloc (09022015). Collection method: clinical testing. Allele origin: germline.
Comment: This sequence change replaces asparagine, which is neutral and polar, with serine, which is neutral and polar, at codon 458 of the MYO7A protein (p.Asn458Ser). This variant is present in population databases (rs121965084, gnomAD 0.006%). This variant has not been reported in the literature in individuals affected with MYO7A-related conditions. Invitae Evidence Modeling of protein sequence and biophysical properties (such as structural, functional, and spatial information, amino acid conservation, physicochemical variation, residue mobility, and thermodynamic stability) indicates that this missense variant is expected to disrupt MYO7A protein function with a positive predictive value of 95%. In summary, the available evidence is currently insufficient to determine the role of this variant in disease. Therefore, it has been classified as a Variant of Uncertain Significance.

GeneDx
Classification: Uncertain significance. Last evaluated: 2024-11-08. Review status: criteria provided, single submitter. Criteria: GeneDx Variant Classification Process June 2021. Collection method: clinical testing. Allele origin: germline. Affected: yes.
Comment: In silico analysis supports that this missense variant has a deleterious effect on protein structure/function; This variant is associated with the following publications: (PMID: 33057194, 35982159, 15221449)

Blueprint Genetics
Classification: Uncertain significance. Last evaluated: 2024-03-11. Review status: criteria provided, single submitter. Criteria: ACMG Guidelines, 2015. Collection method: clinical testing. Allele origin: germline.

NM_000260.4(MYO7A):c.1373A>G (p.Asn458Ser)

Gene: MYO7A (myosin VIIA; plus strand). Cytogenetic location: 11q13.5.
Variant type: single nucleotide variant.
Coding change: c.1373A>G on transcript NM_000260.4 (MANE Select); coding-DNA position 1373, A replaced by G.
Protein change: p.Asn458Ser; replaces asparagine 458 with serine.
Molecular consequence: missense variant.
Genome position (GRCh38, 1-based): chr11:77,162,149, A>G. VCF-style: chr11-77162149-A-G. GRCh37 (hg19) VCF-style: chr11-76873195-A-G.
Other names: c.1373A>G, p.Asn458Ser (NM_001127180.2); c.1340A>G, p.Asn447Ser (NM_001369365.1); c.1373A>G (NM_000260.3); short protein forms N447S, N458S.
Identifiers: ClinVar variation 3627985 (VCV003627985.3).
Genomic context (GRCh38, chr11:77,162,149, plus strand): 5'-ACACCCTTACCCCATCCCTGTGCCCCTGCAGCTTTGAGCAGCTCTGCATCAACTTCGCCA[A>G]TGAGCACCTGCAGCAGTTCTTTGTGCGGCACGTGTTCAAGCTGGAGCAGGAGGAATATGA-3'
Protein context (NP_000251.3, residues 448-468): SFEQLCINFA[Asn458Ser]EHLQQFFVRH